The following is an entry in ClinVar:

ClinVar aggregate classification (germline): Pathogenic (1 of 4 stars; one submission).

Conditions:
Kennedy disease (SMAX1). Also called: SPINAL AND BULBAR MUSCULAR ATROPHY, X-LINKED 1; KENNEDY SPINAL AND BULBAR MUSCULAR ATROPHY; Spinal and Bulbar Muscular Atrophy. Identifiers: Orphanet 481, MedGen C1839259, MONDO:0010735, OMIM 313200.
Androgen resistance syndrome (AIS). Also called: ANDROGEN RECEPTOR DEFICIENCY; DIHYDROTESTOSTERONE RECEPTOR DEFICIENCY; Androgen insensitivity; DHTR DEFICIENCY; TESTICULAR FEMINIZATION SYNDROME; Androgen insensitivity syndrome. Identifiers: Orphanet 754, Orphanet 99429, MedGen C0039585, MONDO:0019154, OMIM 300068. Disease mechanism: loss of function.

Submission:

Labcorp Genetics (formerly Invitae), Labcorp
Classification: Pathogenic for Kennedy disease; Androgen resistance syndrome. Last evaluated: 2021-05-25. Review status: criteria provided, single submitter. Criteria: Invitae Variant Classification Sherloc (09022015). Collection method: clinical testing. Allele origin: germline.
Comment: This sequence change creates a premature translational stop signal (p.Gln120*) in the AR gene. It is expected to result in an absent or disrupted protein product. Loss-of-function variants in AR are known to be pathogenic (PMID: 19463997). This variant is not present in population databases (ExAC no frequency). For these reasons, this variant has been classified as Pathogenic. This variant has been observed in individual(s) with androgen insensitivity syndrome (PMID: 17382127). This variant is also known as Gln118X.

Literature cited by the submitters: PubMed 19463997; PubMed 17382127.

NM_000044.6(AR):c.358C>T (p.Gln120Ter)

Gene: AR (androgen receptor; plus strand). Cytogenetic location: Xq12.
Variant type: single nucleotide variant.
Coding change: c.358C>T on transcript NM_000044.6 (MANE Select); coding-DNA position 358, C replaced by T.
Protein change: p.Gln120Ter; replaces glutamine 120 with a stop codon.
Molecular consequence: nonsense. On other transcripts: 5 prime UTR variant (1).
Genome position (GRCh38, 1-based): chrX:67,545,504, C>T. VCF-style: chrX-67545504-C-T. GRCh37 (hg19) VCF-style: chrX-66765346-C-T.
Other names: c.-1426C>T (NM_001011645.3); c.358C>T, p.Gln120Ter (NM_001348061.1, NM_001348063.1, NM_001348064.1); short protein forms Q120*.
Identifiers: ClinVar variation 1421027 (VCV001421027.8), dbSNP rs1929683441, ClinGen allele CA413424458.